The following is an entry in ClinVar:

NM_000466.3(PEX1):c.468A>G (p.Gln156=)

Gene: PEX1 (peroxisomal biogenesis factor 1; minus strand). Cytogenetic location: 7q21.2.
Variant type: single nucleotide variant.
Coding change: c.468A>G on transcript NM_000466.3 (MANE Select); coding-DNA position 468, A replaced by G.
Protein change: p.Gln156=; no amino-acid change (glutamine 156 retained).
Molecular consequence: synonymous variant. On other transcripts: 5 prime UTR variant (1).
Genome position (GRCh38, 1-based): chr7:92,518,145, T>C on the plus strand (A>G on the coding strand, the complement: PEX1 is on the minus strand). VCF-style: chr7-92518145-T-C. GRCh37 (hg19) VCF-style: chr7-92147459-T-C.
Other names: c.468A>G, p.Gln156= (NM_001282677.2); c.-157A>G (NM_001282678.2).
Identifiers: ClinVar variation 285002 (VCV000285002.49), dbSNP rs149729088, ClinGen allele CA4341604.

ClinVar aggregate classification (germline): Conflicting classifications of pathogenicity. Review status: criteria provided, conflicting classifications (1 of 4 stars). 7 submissions from 7 submitters: Uncertain significance (1); Benign (1); Likely benign (3). 2 of the submissions do not count toward it. Last evaluated 2026-03-01.

Conditions:
PEX1-related disorder. Also called: PEX1-related condition.
Zellweger spectrum disorders (ZS). Also called: Zellweger Spectrum Disorder; Zellweger Spectrum; Zellweger syndrome; Zellweger Spectrum Disorder (ZSD). Identifiers: Orphanet 912, MedGen C0043459, MONDO:0019609.
Peroxisome biogenesis disorder 1A (Zellweger) (PBD1A). Also called: Peroxisome biogenesis disorder 1a; Zellweger leukodystrophy. Identifiers: MedGen C4721541, MONDO:0008953, OMIM 214100.

Allele frequency attached by ClinVar (database versions not stated): ExAC 0.00059; 1000 Genomes Project 0.00220; 1000 Genomes Project 30x 0.00250; ESP Exome Variant Server 0.00277; TOPMed 0.00307.
gnomAD v4.1: 799 of 1,611,002 alleles (0.05%); highest among the groups gnomAD compares: African/African-American, 0.93%; 4 homozygotes.

Submissions (7):

CeGaT Center for Human Genetics Tuebingen
Classification: Likely benign. Last evaluated: 2026-03-01. Review status: criteria provided, single submitter. Criteria: CeGaT Center For Human Genetics Tuebingen Variant Classification Criteria Version 2. Collection method: clinical testing. Allele origin: germline. Affected: yes. Observed: 2 variant alleles.
Comment: PEX1: BP4, BP7

Labcorp Genetics (formerly Invitae), Labcorp
Classification: Benign for Zellweger spectrum disorders. Last evaluated: 2026-02-02. Review status: criteria provided, single submitter. Criteria: Invitae Variant Classification Sherloc (09022015). Collection method: clinical testing. Allele origin: germline.

Blueprint Genetics
Classification: Likely benign. Last evaluated: 2024-09-02. Review status: criteria provided, single submitter. Criteria: ACMG Guidelines, 2015. Collection method: clinical testing. Allele origin: germline.

Illumina Laboratory Services, Illumina
Classification: Uncertain significance for Peroxisome biogenesis disorder 1A (Zellweger). Last evaluated: 2018-01-12. Review status: criteria provided, single submitter. Criteria: ICSL Variant Classification Criteria 13 December 2019. Collection method: clinical testing. Allele origin: germline.

Eurofins Ntd Llc (ga)
Classification: Likely benign. Last evaluated: 2015-12-09. Review status: criteria provided, single submitter. Criteria: EGL Classification Definitions 2015. Collection method: clinical testing. Allele origin: germline. Observed: 1 variant allele, 1 heterozygote.

PreventionGenetics, part of Exact Sciences
Classification: Benign for PEX1-related condition. Last evaluated: 2023-03-06. Review status: no assertion criteria provided. Collection method: clinical testing. Allele origin: germline. Not counted in ClinVar's aggregate classification.
Comment: This variant is classified as benign based on ACMG/AMP sequence variant interpretation guidelines (Richards et al. 2015 PMID: 25741868, with internal and published modifications).

Natera, Inc.
Classification: Likely benign for Zellweger syndrome. Last evaluated: 2017-05-12. Review status: no assertion criteria provided. Collection method: clinical testing. Allele origin: germline. Not counted in ClinVar's aggregate classification.